The following is an entry in ClinVar:

NM_000261.2(MYOC):c.878C>A (p.Thr293Lys)

Gene: MYOC (myocilin; minus strand). Cytogenetic location: 1q24.3.
Variant type: single nucleotide variant.
Coding change: c.878C>A on transcript NM_000261.2 (MANE Select); coding-DNA position 878, C replaced by A.
Protein change: p.Thr293Lys; replaces threonine 293 with lysine.
Molecular consequence: missense variant.
Genome position (GRCh38, 1-based): chr1:171,636,562, G>T on the plus strand (C>A on the coding strand, the complement: MYOC is on the minus strand). VCF-style: chr1-171636562-G-T. GRCh37 (hg19) VCF-style: chr1-171605702-G-T.
Other names: NM_000261.2:c.878C>A; short protein forms T293K.
Identifiers: ClinVar variation 876939 (VCV000876939.18), dbSNP rs139122673, ClinGen allele CA1244131.
Genomic context (GRCh38, chr1:171,636,562, plus strand): 5'-GAAGGGTAGCCCTGCATAAACTGGCTGATGAGGTCATACTCAAAAACCTGGCGGACATCC[G>T]TGCCAACTGTGTCGATTCTCCACGTGGTCTCCTGGGTGTAGGGGTAGGTGGGCTTGGGGT-3'
Protein context (NP_000252.1, residues 283-303): ETTWRIDTVG[Thr293Lys]DVRQVFEYDL

ClinVar aggregate classification (germline): Likely benign. Review status: reviewed by expert panel (3 of 4 stars). 5 submissions from 5 submitters: Likely benign (1). 4 of the submissions do not count toward it. Last evaluated 2026-01-12.

Conditions:
Glaucoma 1, open angle, A (GLC1A). Also called: Glaucoma, Dominant (Juvenile Onset). Identifiers: Orphanet 98977, MedGen C1842028, MONDO:0007664, OMIM 137750.
MYOC-related disorder. Also called: MYOC-related condition; MYOC-related disorders. Identifiers: MedGen CN239330.
Open-angle glaucoma. Identifiers: MedGen C0017612, MONDO:0005338, HP:0012108.

Allele frequency attached by ClinVar (database versions not stated): 1000 Genomes Project 0.00040; 1000 Genomes Project 30x 0.00047; gnomAD 0.00047; ESP Exome Variant Server 0.00054; TOPMed 0.00065.
gnomAD v4.1: 784 of 1,609,894 alleles (0.049%); highest among the groups gnomAD compares: Admixed American, 0.14%; 2 homozygotes.

Submissions (5):

ClinGen Glaucoma Variant Curation Expert Panel
Classification: Likely benign for Open-angle glaucoma. Last evaluated: 2026-01-12. Review status: reviewed by expert panel. Criteria: ClinGen Glaucoma ACMG Specifications V2.0.0 Approved. Collection method: curation. Allele origin: germline. Inheritance: Autosomal dominant inheritance.
Comment: The c.878C>A variant in MYOC is a missense variant predicted to cause substitution of Threonine by Lysine at amino acid 293 (p.Thr293Lys). The highest minor allele frequency of this variant was in the Ashkenazi Jewish genetic ancestry group of gnomAD (v4.1.0) = 0.002489, which met the ≥ 0.001 threshold set for BS1 (73 alleles out of 29,324, meeting the threshold of ≥ 5 of at least 2,000 observed alleles). The REVEL score = 0.541, which was neither above nor below the thresholds for PP3 (≥ 0.644) or BP4 (≤ 0.290), predicting a damaging or benign impact on MYOC function. The Thr293Lys protein had similar stability and secretion levels to wild type myocilin protein in these studies (PMIDs: 16466712, 25524706, 36267417, 36579626). The assays met the OddsPath threshold for BS3_Moderate (< 0.23), indicating that this variant did not impact protein function. This protein has also been assessed for solubility and secretion in this study PMID: 36579626), however, the same level of evidence was not met. As BS1 was met, PP1 did not apply and segregations were not counted. Although probands with primary open angle glaucoma have been reported carrying this variant, PM2_Supporting was not met, therefore PS4 did not apply. In summary, this variant met the criteria to receive a score of -6 and to be classified as likely benign (likely benign classification range -2 to -6, adapted from PMID: 32720330) for primary open angle glaucoma based on the ACMG/AMP criteria met, as specified by the ClinGen Glaucoma VCEP (v2.0.0, 5 Dec 2024): BS1, BS3_Moderate.

Labcorp Genetics (formerly Invitae), Labcorp
Classification: Likely benign. Last evaluated: 2024-11-18. Review status: criteria provided, single submitter. Criteria: Invitae Variant Classification Sherloc (09022015). Collection method: clinical testing. Allele origin: germline. Not counted in ClinVar's aggregate classification.

Mendelics
Classification: Benign. Last evaluated: 2023-08-22. Review status: criteria provided, single submitter. Criteria: Mendelics Assertion Criteria 2019. Collection method: clinical testing. Allele origin: germline. Not counted in ClinVar's aggregate classification.

Illumina Laboratory Services, Illumina
Classification: Uncertain significance for Glaucoma 1, open angle, A. Last evaluated: 2017-04-27. Review status: criteria provided, single submitter. Criteria: ICSL Variant Classification Criteria 13 December 2019. Collection method: clinical testing. Allele origin: germline. Not counted in ClinVar's aggregate classification.

PreventionGenetics, part of Exact Sciences
Classification: Likely benign for MYOC-related condition. Last evaluated: 2022-10-27. Review status: no assertion criteria provided. Collection method: clinical testing. Allele origin: germline. Not counted in ClinVar's aggregate classification.
Comment: This variant is classified as likely benign based on ACMG/AMP sequence variant interpretation guidelines (Richards et al. 2015 PMID: 25741868, with internal and published modifications).

Literature cited by the submitters: PubMed 36267417 (cited by ClinGen Glaucoma Variant Curation Expert Panel); PubMed 36579626 (cited by ClinGen Glaucoma Variant Curation Expert Panel); PubMed 16466712 (cited by ClinGen Glaucoma Variant Curation Expert Panel); PubMed 25524706 (cited by ClinGen Glaucoma Variant Curation Expert Panel).